The following is an entry in ClinVar:

NM_014797.3(ZBTB24):c.2056G>A (p.Val686Met)

Genes: MICAL1 (microtubule associated monooxygenase, calponin and LIM domain containing 1; minus strand), ZBTB24 (zinc finger and BTB domain containing 24; minus strand). Cytogenetic location: 6q21.
Variant type: single nucleotide variant.
Coding change: c.2056G>A on transcript NM_014797.3 (MANE Select); coding-DNA position 2056, G replaced by A.
Protein change: p.Val686Met; replaces valine 686 with methionine.
Molecular consequence: missense variant. On other transcripts: 5 prime UTR variant (1).
Genome position (GRCh38, 1-based): chr6:109,465,889, C>T on the plus strand (G>A on the coding strand, the complement: ZBTB24 is on the minus strand). VCF-style: chr6-109465889-C-T. GRCh37 (hg19) VCF-style: chr6-109787092-C-T.
Other names: c.-212G>A (NM_001286613.2); short protein forms V686M.
Identifiers: ClinVar variation 1043466 (VCV001043466.7), dbSNP rs373326176, ClinGen allele CA3953963.

ClinVar aggregate classification (germline): Uncertain significance. Review status: criteria provided, multiple submitters, no conflicts (2 of 4 stars). 3 submissions from 3 submitters: Uncertain significance (3). Last evaluated 2025-09-11.

Conditions:
Inborn genetic diseases. Identifiers: MedGen C0950123, MeSH D030342.
Immunodeficiency-centromeric instability-facial anomalies syndrome 2 (ICF2). Identifiers: Orphanet 2268, MedGen C3279748, MONDO:0013553, OMIM 614069.

Allele frequency attached by ClinVar (database versions not stated): TOPMed 0.00001; gnomAD exomes 0.00002 and 0.00001; ExAC 0.00001; 1000 Genomes Project 30x 0.00016; 1000 Genomes Project 0.00020; gnomAD 0.00003.
gnomAD v4.1: 26 of 1,614,170 alleles (0.0016%); highest among the groups gnomAD compares: Admixed American, 0.015%; no homozygotes.

Submissions (3):

Ambry Genetics
Classification: Uncertain significance for Inborn genetic diseases. Last evaluated: 2025-09-11. Review status: criteria provided, single submitter. Criteria: Ambry Variant Classification Scheme 2023. Collection method: clinical testing. Allele origin: germline.

Labcorp Genetics (formerly Invitae), Labcorp
Classification: Uncertain significance for Immunodeficiency-centromeric instability-facial anomalies syndrome 2. Last evaluated: 2022-09-07. Review status: criteria provided, single submitter. Criteria: Invitae Variant Classification Sherloc (09022015). Collection method: clinical testing. Allele origin: germline.
Comment: This sequence change replaces valine, which is neutral and non-polar, with methionine, which is neutral and non-polar, at codon 686 of the ZBTB24 protein (p.Val686Met). This variant is present in population databases (rs373326176, gnomAD 0.006%). This variant has not been reported in the literature in individuals affected with ZBTB24-related conditions. ClinVar contains an entry for this variant (Variation ID: 1043466). Algorithms developed to predict the effect of missense changes on protein structure and function output the following: SIFT: "Not Available"; PolyPhen-2: "Possibly Damaging"; Align-GVGD: "Not Available". The methionine amino acid residue is found in multiple mammalian species, which suggests that this missense change does not adversely affect protein function. In summary, the available evidence is currently insufficient to determine the role of this variant in disease. Therefore, it has been classified as a Variant of Uncertain Significance.

Breakthrough Genomics
Classification: Uncertain significance. Review status: criteria provided, single submitter. Criteria: ACMG Guidelines, 2015. Collection method: not provided. Allele origin: germline. Inheritance: Autosomal recessive inheritance. Affected: yes.